The following is an entry in ClinVar:

ClinVar aggregate classification (germline): Benign (1 of 4 stars; one submission).

Conditions:
Leigh syndrome (NULS). Also called: Leigh's necrotizing encephalopathy; Leigh's disease; Leigh's syndrome; LEIGH SYNDROME, NUCLEAR; Leigh Syndrome (mtDNA deletion); Leigh Disease. Identifiers: Orphanet 506, MedGen C2931891, MONDO:0009723, OMIM 256000.

Submission:

Wong Mito Lab, Molecular and Human Genetics, Baylor College of Medicine
Classification: Benign for Leigh syndrome. Last evaluated: 2019-10-17. Review status: criteria provided, single submitter. Criteria: Modified ACMG Guidelines (Unpublished). Collection method: clinical testing. Allele origin: germline.
Comment: The NC_012920.1:m.14256T>C (YP_003024037.1:p.Ile140Val) variant in MTND6 gene is interpretated to be a Benign variant based on the modified ACMG guidelines (unpublished). This variant meets the following evidence codes: BS1, BS2, BP4

NC_012920.1(MT-ND6):m.14256T>C

Gene: MT-ND6 (mitochondrially encoded NADH dehydrogenase 6; minus strand).
Variant type: single nucleotide variant.
Genome position: chrM-14256-T-C.
Identifiers: ClinVar variation 693698 (VCV000693698.1), dbSNP rs1603224630, ClinGen allele CA414821628.
Genomic context (GRCh38, chrMT:14,256, plus strand): 5'-ATGTTCAACCAGTAACTACTACTAATCAACGCCCATAATCATACAAAGCCCCCGCACCAA[T>C]AGGATCCTCCCGAATCAACCCTGACCCCTCTCCTTCATAAATTATTCAGCTTCCTACACT-3'